The following is an entry in ClinVar:

ClinVar aggregate classification (germline): Pathogenic (1 of 4 stars; one submission).

Conditions:
Congenital hyperammonemia, type I. Also called: CPS I DEFICIENCY; Carbamoyl phosphate synthetase 1 deficiency; Hyperammonemia due to carbamoyl phosphate synthetase 1 deficiency; CPS 1 deficiency; Carbamyl phosphate synthetase (CPS) deficiency; Carbamoyl phosphate synthetase I deficiency disease. Identifiers: Orphanet 147, MedGen C4082171, MONDO:0009376, OMIM 237300.

Submission:

Myriad Genetics, Inc.
Classification: Pathogenic for Congenital hyperammonemia, type I. Last evaluated: 2024-07-02. Review status: criteria provided, single submitter. Criteria: Myriad Autosomal Dominant, Autosomal Recessive and X-Linked Classification Criteria (2023). Collection method: clinical testing. Allele origin: unknown.
Comment: NM_001875.4(CPS1):c.3424delG(V1142Yfs*7) is expected to be pathogenic in the context of carbamoylphosphate synthetase I deficiency. This variant is predicted to lead to an abnormal or absent protein product due to the creation of a premature termination codon in CPS1, a gene where loss-of-function variants are known to be pathogenic. Please note: this variant was assessed in the context of healthy population screening.

NM_001875.5(CPS1):c.3424del (p.Val1142fs)

Gene: CPS1 (carbamoyl-phosphate synthase 1; plus strand). Cytogenetic location: 2q34.
Variant type: Deletion.
Coding change: c.3424del on transcript NM_001875.5 (MANE Select); coding-DNA position 3424, one base deleted (G; older notation c.3424delG).
Protein change: p.Val1142fs; shifts the reading frame from valine 1142.
Molecular consequence: frameshift variant. On other transcripts: non-coding transcript variant (2).
Genome position (GRCh38, 1-based): chr2:210,650,382, G deleted; the last of 2 consecutive G bases (chr2:210,650,381-210,650,382); deleting either gives the same sequence. VCF-style (leftmost placement, unchanged base first): chr2-210650380-TG-T. GRCh37 (hg19) VCF-style: chr2-211515104-TG-T.
Other names: c.3424del, p.Val1142fs (NM_001122633.3, NM_001369257.1); c.3457del, p.Val1153fs (NM_001369256.1); short protein forms V1142fs, V1153fs.
Identifiers: ClinVar variation 5013271 (VCV005013271.1).